The following is an entry in ClinVar:

NM_001457.4(FLNB):c.1740dup (p.Ser581fs)

Gene: FLNB (filamin B; plus strand). Cytogenetic location: 3p14.3.
Variant type: Duplication.
Coding change: c.1740dup on transcript NM_001457.4 (MANE Select); coding-DNA position 1740, one base duplicated (G; older notation c.1740dupG).
Protein change: p.Ser581fs; shifts the reading frame from serine 581.
Molecular consequence: frameshift variant.
Genome position (GRCh38, 1-based): chr3:58,105,209, G duplicated; the last of 4 consecutive G bases (chr3:58,105,206-58,105,209); duplicating any one gives the same sequence. VCF-style (leftmost placement, unchanged base first): chr3-58105205-T-TG. GRCh37 (hg19) VCF-style: chr3-58090932-T-TG.
Other names: c.1740dup, p.Ser581fs (NM_001164317.2, NM_001164318.2, NM_001164319.2); c.1740dup (NM_001457.3); short protein forms S581fs.
Identifiers: ClinVar variation 1098338 (VCV001098338.4), dbSNP rs1000098671, ClinGen allele CA75430775.

ClinVar aggregate classification (germline): Conflicting classifications of pathogenicity. Review status: criteria provided, conflicting classifications (1 of 4 stars). 3 submissions from 3 submitters: Pathogenic (2); Uncertain significance (1). Last evaluated 2026-04-12.

Submissions (3):

GeneDx
Classification: Uncertain significance. Last evaluated: 2026-04-12. Review status: criteria provided, single submitter. Criteria: GeneDx Variant Classification Process June 2021. Collection method: clinical testing. Allele origin: germline.
Comment: Frameshift variant predicted to result in protein truncation or nonsense mediated decay in a gene for which loss of function is a known mechanism of disease; Has not been previously published as pathogenic or benign to our knowledge

Labcorp Genetics (formerly Invitae), Labcorp
Classification: Pathogenic. Last evaluated: 2025-09-02. Review status: criteria provided, single submitter. Criteria: Invitae Variant Classification Sherloc (09022015). Collection method: clinical testing. Allele origin: germline.
Comment: This sequence change creates a premature translational stop signal (p.Ser581Valfs*7) in the FLNB gene. It is expected to result in an absent or disrupted protein product. Loss-of-function variants in FLNB are known to be pathogenic (PMID: 14991055). This variant is present in population databases (no rsID available, gnomAD 0.0009%). This variant has not been reported in the literature in individuals affected with FLNB-related conditions. ClinVar contains an entry for this variant (Variation ID: 1098338). For these reasons, this variant has been classified as Pathogenic.

Genetics Laboratory, UDIAT-Centre Diagnòstic, Hospital Universitari Parc Tauli
Classification: Pathogenic. Last evaluated: 2021-04-26. Review status: criteria provided, single submitter. Criteria: Parc Tauli Hospital Assertion Criteria 2021. Collection method: clinical testing. Allele origin: inherited. Inheritance: Autosomal recessive inheritance. Affected: yes. Observed: 1 homozygote.
Comment: PVS1_very strong;PM2_supporting;PM3_supporting

Literature cited by the submitters: PubMed 14991055 (cited by Labcorp Genetics (formerly Invitae), Labcorp).